The following is an entry in ClinVar:

NM_000492.4(CFTR):c.3112C>T (p.Gln1038Ter)

Genes: CFTR (CF transmembrane conductance regulator; plus strand), CFTR-AS2 (CFTR antisense RNA 2; minus strand), LOC111674472 (DNase I hypersensitive sites in introns 16 and 17a of CFTR; plus strand). Cytogenetic location: 7q31.2.
Variant type: single nucleotide variant.
Coding change: c.3112C>T on transcript NM_000492.4 (MANE Select); coding-DNA position 3112, C replaced by T.
Protein change: p.Gln1038Ter; replaces glutamine 1038 with a stop codon.
Molecular consequence: nonsense.
Genome position (GRCh38, 1-based): chr7:117,610,642, C>T. VCF-style: chr7-117610642-C-T. GRCh37 (hg19) VCF-style: chr7-117250696-C-T.
Other names: short protein forms Q1038*.
Identifiers: ClinVar variation 4818526 (VCV004818526.1).
Genomic context (GRCh38, chr7:117,610,642, plus strand): 5'-GCAACAGTGCCAGTGATAGTGGCTTTTATTATGTTGAGAGCATATTTCCTCCAAACCTCA[C>T]AGCAACTCAAACAACTGGAATCTGAAGGTATGACAGTGAATGTGCGATACTCATCTTGTA-3'

ClinVar aggregate classification (germline): Pathogenic (1 of 4 stars; one submission).

Conditions:
CFTR-related disorder (CFTR-RD). Also called: CFTR-related disorders; CFTR-related condition. Identifiers: MedGen C5924204, MONDO:7770004.

Submission:

Natera, Inc.
Classification: Pathogenic for CFTR-related disorders. Last evaluated: 2025-08-21. Review status: criteria provided, single submitter. Criteria: Natera Variant Classification Schema (03/2026). Collection method: clinical testing. Allele origin: germline.
Comment: The c.3112C>T variant in CFTR is a nonsense variant predicted to introduce a stop codon at amino acid 1038. This variant is expected to result in nonsense mediated decay, truncation, or a dysfunctional protein product. This variant is rare in the general population with a frequency below the threshold expected for the associated phenotype(s). This variant has been observed in one or more individuals affected with the associated recessive disease, as either homozygous or compound heterozygous with a second variant (PMID: 30548586). Given the available evidence, this variant is classified as Pathogenic.

Literature cited by the submitters: PubMed 30548586.